The following is an entry in ClinVar:

ClinVar aggregate classification (germline): Likely benign (0 of 4 stars; one submission).

Conditions:
KIAA0753-related disorder.

Allele frequency attached by ClinVar (database versions not stated): gnomAD exomes below 0.00001; ExAC 0.00001; TOPMed 0.00002.
gnomAD v4.1: 1 of 1,614,048 alleles (0.000062%); highest among the groups gnomAD compares: Admixed American, 0.0017%; no homozygotes.

Submission:

PreventionGenetics, part of Exact Sciences
Classification: Likely benign for KIAA0753-related condition. Last evaluated: 2019-05-01. Review status: no assertion criteria provided. Collection method: clinical testing. Allele origin: germline.
Comment: This variant is classified as likely benign based on ACMG/AMP sequence variant interpretation guidelines (Richards et al. 2015 PMID: 25741868, with internal and published modifications).

NM_014804.3(KIAA0753):c.1698A>C (p.Pro566=)

Gene: KIAA0753 (KIAA0753; minus strand). Cytogenetic location: 17p13.1.
Variant type: single nucleotide variant.
Coding change: c.1698A>C on transcript NM_014804.3 (MANE Select); coding-DNA position 1698, A replaced by C.
Protein change: p.Pro566=; no amino-acid change (proline 566 retained).
Molecular consequence: synonymous variant. On other transcripts: non-coding transcript variant (3).
Genome position (GRCh38, 1-based): chr17:6,610,008, T>G on the plus strand (A>C on the coding strand, the complement: KIAA0753 is on the minus strand). VCF-style: chr17-6610008-T-G. GRCh37 (hg19) VCF-style: chr17-6513328-T-G.
Other names: c.801A>C, p.Pro267= (NM_001351225.2).
Identifiers: ClinVar variation 3037312 (VCV003037312.2), dbSNP rs774498721, ClinGen allele CA8330410.